The following is an entry in ClinVar:

NM_017514.5(PLXNA3):c.4576G>C (p.Ala1526Pro)

Gene: PLXNA3 (plexin A3; plus strand). Cytogenetic location: Xq28.
Variant type: single nucleotide variant.
Coding change: c.4576G>C on transcript NM_017514.5 (MANE Select); coding-DNA position 4576, G replaced by C.
Protein change: p.Ala1526Pro; replaces alanine 1526 with proline.
Molecular consequence: missense variant.
Genome position (GRCh38, 1-based): chrX:154,469,197, G>C. VCF-style: chrX-154469197-G-C. GRCh37 (hg19) VCF-style: chrX-153697540-G-C.
Other names: short protein forms A1526P.
Identifiers: ClinVar variation 4978335 (VCV004978335.1).

ClinVar aggregate classification (germline): Uncertain significance (1 of 4 stars; one submission).

Conditions:
PLXNA3-related disorder. Also called: PLXNA3-related condition.

gnomAD v4.1: 2 of 1,211,006 alleles (0.00017%); highest among the groups gnomAD compares: Non-Finnish European, 0.00022%; no homozygotes.

Submission:

PreventionGenetics, part of Exact Sciences
Classification: Uncertain significance for PLXNA3-related condition. Last evaluated: 2026-08-24. Review status: criteria provided, single submitter. Criteria: ACMG Guidelines, 2015. Collection method: clinical testing. Allele origin: germline.
Comment: The PLXNA3 c.4576G>C variant is predicted to result in the amino acid substitution p.Ala1526Pro. To our knowledge, this variant has not been reported in the literature. This variant is reported in 0.0012% of alleles in individuals of European (Non-Finnish) descent in gnomAD. At this time, the clinical significance of this variant is uncertain due to the absence of conclusive functional and genetic evidence.